The following is an entry in ClinVar:

ClinVar aggregate classification (germline): Pathogenic. Review status: criteria provided, multiple submitters, no conflicts (2 of 4 stars). 5 submissions from 4 submitters: Pathogenic (2). 3 of the submissions do not count toward it. Last evaluated 2024-09-16.

Conditions:
CDKL5 disorder. Identifiers: MedGen CN296942, MONDO:0100039.
Developmental and epileptic encephalopathy, 2 (DEE2). Also called: INFANTILE SPASM SYNDROME, X-LINKED 2; CDKL5 deficiency disorder. Identifiers: Orphanet 1934, Orphanet 3451, Orphanet 505652, MedGen C4750718, MONDO:0010396, OMIM 300672.
Angelman syndrome-like. Identifiers: MedGen CN128785.
Atypical Rett syndrome. Also called: Rett like syndrome; Variant Rett Syndrome. Identifiers: Orphanet 3095, MedGen C2748910, MONDO:0017746.

Submissions (5):

Centre for Population Genomics, CPG
Classification: Pathogenic for CDKL5 disorder. Last evaluated: 2024-09-16. Review status: criteria provided, single submitter. Criteria: McKnight et al. (Hum Mutat. 2022). Collection method: curation. Allele origin: germline. Inheritance: X-linked inheritance.
Comment: This variant has been collected from RettBASE and curated to current modified ACMG/AMP criteria. Based on the classification scheme defined by the ClinGen Rett/Angelman-like Expert Panel for Rett/AS-like Disorders Specifications to the ACMG/AMP Variant Interpretation Guidelines VCEP 3.0, this variant is classified as pathogenic. At least the following criteria are met: Predicted to result in loss of function, and LOF is a known mechanism of disease (PVS1). This variant has been identified as a de novo occurrence in an individual with CDKL5 disorder without confirmation of paternity and maternity (PM6). This variant is absent from gnomAD (PM2_Supporting).

Labcorp Genetics (formerly Invitae), Labcorp
Classification: Pathogenic for Developmental and epileptic encephalopathy, 2; Angelman syndrome-like. Last evaluated: 2020-09-24. Review status: criteria provided, single submitter. Criteria: Invitae Variant Classification Sherloc (09022015). Collection method: clinical testing. Allele origin: germline.
Comment: Experimental studies have shown that this variant disrupts mRNA splicing (PMID: 15492925). This sequence change affects an acceptor splice site in intron 13 of the CDKL5 gene. It is expected to disrupt RNA splicing and likely results in an absent or disrupted protein product. This variant is not present in population databases (ExAC no frequency). This variant has been observed in individual(s) with CDKL5-related conditions (PMID: 15492925). In at least one individual the variant was observed to be de novo. This variant is also known as IVS13-1G>A. ClinVar contains an entry for this variant (Variation ID: 156077). Donor and acceptor splice site variants typically lead to a loss of protein function (PMID: 16199547), and loss-of-function variants in CDKL5 are known to be pathogenic (PMID: 22872100). For these reasons, this variant has been classified as Pathogenic.

RettBASE
Classification: Pathogenic for Atypical Rett syndrome. Last evaluated: 2014-03-13. Review status: no assertion criteria provided. Collection method: curation. Allele origin: de novo. Affected: yes. Observed: 1 variant allele. Not counted in ClinVar's aggregate classification.
Comment: Acceptor site of intron 13, activates an alternate splice site r.2047delG

OMIM
Classification: Pathogenic for DEVELOPMENTAL AND EPILEPTIC ENCEPHALOPATHY 2. Last evaluated: 2004-12-01. Review status: no assertion criteria provided. Collection method: literature only. Allele origin: germline. Not counted in ClinVar's aggregate classification.

RettBASE
No classification provided. Review status: flagged submission. Collection method: not provided. Allele origin: not provided. Not counted in ClinVar's aggregate classification.
ClinVar note: Reason: This record appears to be redundant with a more recent record from the same submitter.
ClinVar note: Notes: SCV000189201 appears to be redundant with SCV000222323.

Literature cited by the submitters: PubMed 15492925 (cited by 3 submitters); PubMed 16199547 (cited by Labcorp Genetics (formerly Invitae), Labcorp); PubMed 22872100 (cited by Labcorp Genetics (formerly Invitae), Labcorp).

NM_001323289.2(CDKL5):c.2047-1G>A

Gene: CDKL5 (cyclin dependent kinase like 5; plus strand). Cytogenetic location: Xp22.13.
Variant type: single nucleotide variant.
Coding change: c.2047-1G>A on transcript NM_001323289.2 (MANE Select); the canonical splice acceptor site of the intron before coding-DNA position 2047, G replaced by A.
Molecular consequence: splice acceptor variant.
Genome position (GRCh38, 1-based): chrX:18,609,464, G>A. VCF-style: chrX-18609464-G-A. GRCh37 (hg19) VCF-style: chrX-18627584-G-A.
Other names: IVSAS13, G-A, -1; c.2047-1G>A (NM_003159.3, NM_001037343.2).
Identifiers: ClinVar variation 156077 (VCV000156077.12), dbSNP rs267608650, ClinGen allele CA199386.